The following is an entry in ClinVar:

ClinVar aggregate classification (germline): Uncertain significance (1 of 4 stars; one submission).

Conditions:
BAP1-related tumor predisposition syndrome (TPDS1). Also called: Tumor susceptibility linked to germline BAP1 mutations; BAP1 tumor predisposition syndrome; COMMON Syndrome; TUMOR PREDISPOSITION SYNDROME 1. Identifiers: Orphanet 289539, MedGen C3280492, MONDO:0013692, OMIM 614327.

gnomAD v4.1: 1 of 1,614,076 alleles (0.000062%); highest among the groups gnomAD compares: Non-Finnish European, 0.000085%; no homozygotes.

Submission:

Labcorp Genetics (formerly Invitae), Labcorp
Classification: Uncertain significance for BAP1-related tumor predisposition syndrome. Last evaluated: 2022-11-17. Review status: criteria provided, single submitter. Criteria: Invitae Variant Classification Sherloc (09022015). Collection method: clinical testing. Allele origin: germline.
Comment: This variant is not present in population databases (gnomAD no frequency). This sequence change replaces glycine, which is neutral and non-polar, with alanine, which is neutral and non-polar, at codon 345 of the BAP1 protein (p.Gly345Ala). This variant has not been reported in the literature in individuals affected with BAP1-related conditions. In summary, the available evidence is currently insufficient to determine the role of this variant in disease. Therefore, it has been classified as a Variant of Uncertain Significance. Advanced modeling of protein sequence and biophysical properties (such as structural, functional, and spatial information, amino acid conservation, physicochemical variation, residue mobility, and thermodynamic stability) performed at Invitae indicates that this missense variant is not expected to disrupt BAP1 protein function.

NM_004656.4(BAP1):c.1034G>C (p.Gly345Ala)

Gene: BAP1 (BRCA1 associated deubiquitinase 1; minus strand). Cytogenetic location: 3p21.1.
Variant type: single nucleotide variant.
Coding change: c.1034G>C on transcript NM_004656.4 (MANE Select); coding-DNA position 1034, G replaced by C.
Protein change: p.Gly345Ala; replaces glycine 345 with alanine.
Molecular consequence: missense variant.
Genome position (GRCh38, 1-based): chr3:52,405,192, C>G on the plus strand (G>C on the coding strand, the complement: BAP1 is on the minus strand). VCF-style: chr3-52405192-C-G. GRCh37 (hg19) VCF-style: chr3-52439208-C-G.
Other names: c.980G>C, p.Gly327Ala (NM_001410772.1); short protein forms G327A, G345A.
Identifiers: ClinVar variation 2804919 (VCV002804919.3), dbSNP rs756779992, ClinGen allele CA353105835.